The following is an entry in ClinVar:

ClinVar aggregate classification (germline): Uncertain significance (1 of 4 stars; one submission).

Conditions:
TTC21B-related disorder. Also called: TTC21B-related condition; TTC21B-related disorders.

gnomAD v4.1: 4 of 1,612,470 alleles (0.00025%); highest among the groups gnomAD compares: Non-Finnish European, 0.00034%; no homozygotes.

Submission:

PreventionGenetics, part of Exact Sciences
Classification: Uncertain significance for TTC21B-related condition. Last evaluated: 2026-07-20. Review status: criteria provided, single submitter. Criteria: ACMG Guidelines, 2015. Collection method: clinical testing. Allele origin: germline.
Comment: The TTC21B c.940G>C variant is predicted to result in the amino acid substitution p.Glu314Gln. To our knowledge, this variant has not been reported in the literature or in a large population database (gnomAD), indicating this variant is rare. At this time, the clinical significance of this variant is uncertain due to the absence of conclusive functional and genetic evidence.

NM_024753.5(TTC21B):c.940G>C (p.Glu314Gln)

Gene: TTC21B (tetratricopeptide repeat domain 21B; minus strand). Cytogenetic location: 2q24.3.
Variant type: single nucleotide variant.
Coding change: c.940G>C on transcript NM_024753.5 (MANE Select); coding-DNA position 940, G replaced by C.
Protein change: p.Glu314Gln; replaces glutamic acid 314 with glutamine.
Molecular consequence: missense variant.
Genome position (GRCh38, 1-based): chr2:165,930,319, C>G on the plus strand (G>C on the coding strand, the complement: TTC21B is on the minus strand). VCF-style: chr2-165930319-C-G. GRCh37 (hg19) VCF-style: chr2-166786829-C-G.
Other names: short protein forms E314Q.
Identifiers: ClinVar variation 4978085 (VCV004978085.1).
Genomic context (GRCh38, chr2:165,930,319, plus strand): 5'-TTTGGTATCCAAGTTCTGTAGCAAATTCTGATTGCTGAGGGTTTAAACTAAAAGCTCTCT[C>G]AAGTAACGTTTGAATTTTTTGAAGAATAAGTTGACTACGTCCACACTAAAAAGAAAAAAA-3'
Protein context (NP_079029.3, residues 304-324): LILQKIQTLL[Glu314Gln]RAFSLNPQQS